The following is an entry in ClinVar:

NM_053039.2(UGT2B28):c.672C>G (p.Phe224Leu)

Gene: UGT2B28 (UDP glucuronosyltransferase family 2 member B28; plus strand). Cytogenetic location: 4q13.2.
Variant type: single nucleotide variant.
Coding change: c.672C>G on transcript NM_053039.2 (MANE Select); coding-DNA position 672, C replaced by G.
Protein change: p.Phe224Leu; replaces phenylalanine 224 with leucine.
Molecular consequence: missense variant.
Genome position (GRCh38, 1-based): chr4:69,281,172, C>G. VCF-style: chr4-69281172-C-G. GRCh37 (hg19) VCF-style: chr4-70146890-C-G.
Other names: c.672C>G, p.Phe224Leu (NM_001207004.2); short protein forms F224L.
Identifiers: ClinVar variation 4601852 (VCV004601852.1).
Genomic context (GRCh38, chr4:69,281,172, plus strand): 5'-AATGACTTTCATGGAGAGGGTAAAAAACATGATCTATGTGCTTTATTTTGACTTTTGGTT[C>G]CAAATGTGTGATATGAAGAAGTGGGATCAGTTTTACAGTGAAGTTTTAGGTAAGAATTTG-3'
Protein context (NP_444267.1, residues 214-234): MIYVLYFDFW[Phe224Leu]QMCDMKKWDQ

ClinVar aggregate classification (germline): Uncertain significance (1 of 4 stars; one submission).

gnomAD v4.1: 23 of 1,545,488 alleles (0.0015%); highest among the groups gnomAD compares: Middle Eastern, 0.035%; 5 homozygotes.

Submission:

Ambry Genetics
Classification: Uncertain significance. Last evaluated: 2025-12-02. Review status: criteria provided, single submitter. Criteria: Ambry Variant Classification Scheme 2023. Collection method: clinical testing. Allele origin: germline.
Comment: The c.672C>G (p.F224L) alteration is located in exon 1 (coding exon 1) of the UGT2B28 gene. This alteration results from a C to G substitution at nucleotide position 672, causing the phenylalanine (F) at amino acid position 224 to be replaced by a leucine (L). Based on data from gnomAD, the G allele has an overall frequency of 0.003% (7/255458) total alleles studied. The highest observed frequency was 0.011% (1/8914) of Ashkenazi Jewish alleles. Based on insufficient or conflicting evidence, the clinical significance of this alteration remains unclear.